The following is an entry in ClinVar:

ClinVar aggregate classification (germline): Likely benign. Review status: criteria provided, multiple submitters, no conflicts (2 of 4 stars). 2 submissions from 2 submitters: Likely benign (2). Last evaluated 2023-04-11.

Conditions:
3-methylcrotonyl-CoA carboxylase 2 deficiency. Also called: METHYLCROTONYLGLYCINURIA, TYPE II; 3 alpha methylcrotonyl-CoA carboxylase 2 deficiency; 3 alpha methylcrotonylglycinuria 2; MCC 2 deficiency; Methylcrotonylglycinuria type 2. Identifiers: Orphanet 6, MedGen C1859499, MONDO:0008862, OMIM 210210.

Submissions (2):

Labcorp Genetics (formerly Invitae), Labcorp
Classification: Likely benign for 3-methylcrotonyl-CoA carboxylase 2 deficiency. Last evaluated: 2023-04-11. Review status: criteria provided, single submitter. Criteria: Invitae Variant Classification Sherloc (09022015). Collection method: clinical testing. Allele origin: germline.

GeneDx
Classification: Likely benign. Last evaluated: 2017-09-28. Review status: criteria provided, single submitter. Criteria: GeneDx Variant Classification (06012015). Collection method: clinical testing. Allele origin: germline. Affected: yes.
Comment: This variant is considered likely benign or benign based on one or more of the following criteria: it is a conservative change, it occurs at a poorly conserved position in the protein, it is predicted to be benign by multiple in silico algorithms, and/or has population frequency not consistent with disease.

NM_022132.5(MCCC2):c.1150-17_1150-16del

Gene: MCCC2 (methylcrotonyl-CoA carboxylase subunit 2; plus strand). Cytogenetic location: 5q13.2.
Variant type: Deletion.
Coding change: c.1150-17_1150-16del on transcript NM_022132.5 (MANE Select); 17 bases into the intron before coding-DNA position 1150 through 16 bases into the intron before coding-DNA position 1150, 2 bases deleted (AT; older notation c.1150-17_1150-16delAT).
Molecular consequence: intron variant.
Genome position (GRCh38, 1-based): chr5:71,646,194-71,646,195, AT deleted; deleting any 2 consecutive bases within chr5:71,646,193-71,646,195 gives the same sequence; the c. name uses the placement nearest the transcript's 3' end. VCF-style (leftmost placement, unchanged base first): chr5-71646192-TTA-T. GRCh37 (hg19) VCF-style: chr5-70942019-TTA-T.
Other names: c.1036-17_1036-16del (NM_001363147.1); c.1150-17_1150-16delAT (NM_022132.4).
Identifiers: ClinVar variation 512104 (VCV000512104.4), dbSNP rs904388490, ClinGen allele CA120001216.